The following is an entry in ClinVar:

ClinVar aggregate classification (germline): Uncertain significance. Review status: criteria provided, multiple submitters, no conflicts (2 of 4 stars). 3 submissions from 3 submitters: Uncertain significance (3). Last evaluated 2023-06-22.

Conditions:
Cystic fibrosis (CF). Also called: MUCOVISCIDOSIS. Identifiers: Orphanet 586, MedGen C0010674, MONDO:0009061, OMIM 219700. Disease mechanism: loss of function.

Allele frequency attached by ClinVar (database versions not stated): gnomAD exomes below 0.00001; ExAC 0.00001; TOPMed 0.00001.
gnomAD v4.1: 4 of 1,592,420 alleles (0.00025%); highest among the groups gnomAD compares: East Asian, 0.0067%; no homozygotes.

Submissions (3):

Ambry Genetics
Classification: Uncertain significance for Cystic fibrosis. Last evaluated: 2023-06-22. Review status: criteria provided, single submitter. Criteria: Ambry Variant Classification Scheme 2023. Collection method: clinical testing. Allele origin: germline.
Comment: The c.1393-3C>A intronic variant results from a C to A substitution 3 nucleotides upstream from coding exon 11 in the CFTR gene. This nucleotide position is not well conserved in available vertebrate species. In silico splice site analysis for this alteration is inconclusive. Since supporting evidence is limited at this time, the clinical significance of this alteration remains unclear.

Labcorp Genetics (formerly Invitae), Labcorp
Classification: Uncertain significance for Cystic fibrosis. Last evaluated: 2022-09-07. Review status: criteria provided, single submitter. Criteria: Invitae Variant Classification Sherloc (09022015). Collection method: clinical testing. Allele origin: germline.
Comment: This sequence change falls in intron 10 of the CFTR gene. It does not directly change the encoded amino acid sequence of the CFTR protein. It affects a nucleotide within the consensus splice site. This variant is not present in population databases (gnomAD no frequency). This variant has not been reported in the literature in individuals affected with CFTR-related conditions. Variants that disrupt the consensus splice site are a relatively common cause of aberrant splicing (PMID: 17576681, 9536098). Algorithms developed to predict the effect of sequence changes on RNA splicing suggest that this variant may disrupt the consensus splice site. In summary, the available evidence is currently insufficient to determine the role of this variant in disease. Therefore, it has been classified as a Variant of Uncertain Significance.

Blueprint Genetics
Classification: Uncertain significance. Last evaluated: 2018-07-13. Review status: criteria provided, single submitter. Criteria: ACMG Guidelines, 2015. Collection method: clinical testing. Allele origin: germline.

Literature cited by the submitters: PubMed 17576681 (cited by Labcorp Genetics (formerly Invitae), Labcorp); PubMed 9536098 (cited by Labcorp Genetics (formerly Invitae), Labcorp).

NM_000492.4(CFTR):c.1393-3C>A

Genes: CFTR (CF transmembrane conductance regulator; plus strand), CFTR-AS1 (CFTR antisense RNA 1; minus strand). Cytogenetic location: 7q31.2.
Variant type: single nucleotide variant.
Coding change: c.1393-3C>A on transcript NM_000492.4 (MANE Select); 3 bases into the intron before coding-DNA position 1393, C replaced by A.
Molecular consequence: intron variant.
Genome position (GRCh38, 1-based): chr7:117,559,461, C>A. VCF-style: chr7-117559461-C-A. GRCh37 (hg19) VCF-style: chr7-117199515-C-A.
Identifiers: ClinVar variation 1771580 (VCV001771580.6), dbSNP rs748694761, ClinGen allele CA4451000.